The following is an entry in ClinVar:

NM_000136.3(FANCC):c.1424_1425del (p.Thr475fs)

Genes: AOPEP (aminopeptidase O (putative); plus strand), FANCC (FA complementation group C; minus strand). Cytogenetic location: 9q22.32.
Variant type: Microsatellite.
Coding change: c.1424_1425del on transcript NM_000136.3 (MANE Select); coding-DNA positions 1424 to 1425, 2 bases deleted (CA; older notation c.1424_1425delCA).
Protein change: p.Thr475fs; shifts the reading frame from threonine 475.
Molecular consequence: frameshift variant.
Genome position (GRCh38, 1-based): chr9:95,107,174-95,107,175, TG deleted on the plus strand (CA on the coding strand, the reverse complement: FANCC is on the minus strand); deleting any 2 consecutive bases within chr9:95,107,174-95,107,177 gives the same sequence; the c. name uses the placement nearest the transcript's 3' end. VCF-style (leftmost placement, unchanged base first): chr9-95107173-CTG-C. GRCh37 (hg19) VCF-style: chr9-97869455-CTG-C.
Other names: c.1424_1425del, p.Thr475fs (NM_001243743.2); short protein forms T475fs.
Identifiers: ClinVar variation 5038416 (VCV005038416.1).

ClinVar aggregate classification (germline): Likely pathogenic (1 of 4 stars; one submission).

Conditions:
Fanconi anemia complementation group C (FANCC). Also called: FANCC-Related Fanconi Anemia; Fanconi anemia, group C; FANCONI PANCYTOPENIA, TYPE 3; FACC. Identifiers: Orphanet 84, MedGen C3468041, MONDO:0009213, OMIM 227645.

Submission:

St. Jude Molecular Pathology, St. Jude Children's Research Hospital
Classification: Likely pathogenic for Fanconi anemia complementation group C. Last evaluated: 2026-10-01. Review status: criteria provided, single submitter. Criteria: St. Jude Assertion Criteria 2020. Collection method: clinical testing. Allele origin: germline.
Comment: The FANCC c.1424_1425del p.(Thr475ArgfsTer42) change deletes two nucleotides to cause a frameshift and the creation of a premature stop codon. This variant is not predicted to result in nonsense mediated decay, however the truncated region is critical to protein function. Although this variant has not been reported in the literature in individuals with Fanconi anemia, downstream truncating variants have been identified in individuals with Fanconi anemia (PMID: 8103176, 28425259, 33960719). This variant is absent in gnomAD v2.1.1. In summary, this variant meets criteria to be classified as likely pathogenic.